The following is an entry in ClinVar:

NM_000492.4(CFTR):c.1625del (p.Gly542fs)

Genes: CFTR (CF transmembrane conductance regulator; plus strand), LOC111674475 (CFTR intron 11 enhancer; plus strand). Cytogenetic location: 7q31.2.
Variant type: Deletion.
Coding change: c.1625del on transcript NM_000492.4 (MANE Select); coding-DNA position 1625, one base deleted (G; older notation c.1625delG).
Protein change: p.Gly542fs; shifts the reading frame from glycine 542.
Molecular consequence: frameshift variant.
Genome position (GRCh38, 1-based): chr7:117,587,779, G deleted; the last of 2 consecutive G bases (chr7:117,587,778-117,587,779); deleting either gives the same sequence. VCF-style (leftmost placement, unchanged base first): chr7-117587777-TG-T. GRCh37 (hg19) VCF-style: chr7-117227831-TG-T.
Other names: short protein forms G542fs.
Identifiers: ClinVar variation 1434498 (VCV001434498.6), dbSNP rs2116017718, ClinGen allele CA2573141659.
Genomic context (GRCh38, chr7:117,587,777, plus strand): 5'-AATTTTCTATTTTTGGTAATAGGACATCTCCAAGTTTGCAGAGAAAGACAATATAGTTCT[TG>T]GAGAAGGTGGAATCACACTGAGTGGAGGTCAACGAGCAAGAATTTCTTTAGCAAGGTGAA-3'

ClinVar aggregate classification (germline): Pathogenic (1 of 4 stars; one submission).

Conditions:
Cystic fibrosis (CF). Also called: MUCOVISCIDOSIS. Identifiers: Orphanet 586, MedGen C0010674, MONDO:0009061, OMIM 219700. Disease mechanism: loss of function.

Submission:

Labcorp Genetics (formerly Invitae), Labcorp
Classification: Pathogenic for Cystic fibrosis. Last evaluated: 2021-09-30. Review status: criteria provided, single submitter. Criteria: Invitae Variant Classification Sherloc (09022015). Collection method: clinical testing. Allele origin: germline.
Comment: For these reasons, this variant has been classified as Pathogenic. This variant has not been reported in the literature in individuals affected with CFTR-related conditions. This variant is not present in population databases (ExAC no frequency). This sequence change creates a premature translational stop signal (p.Gly542Glufs*7) in the CFTR gene. It is expected to result in an absent or disrupted protein product. Loss-of-function variants in CFTR are known to be pathogenic (PMID: 1695717, 7691345, 9725922).

Literature cited by the submitters: PubMed 1695717; PubMed 7691345; PubMed 9725922.